The following is an entry in ClinVar:

ClinVar aggregate classification (germline): Conflicting classifications of pathogenicity. Review status: criteria provided, conflicting classifications (1 of 4 stars). 2 submissions from 2 submitters: Pathogenic (1); Uncertain significance (1). Last evaluated 2024-03-09.

Conditions:
Intellectual developmental disorder, autosomal recessive 75, with neuropsychiatric features and variant lissencephaly (MRT75). Identifiers: MedGen C5676961, MONDO:0030785, OMIM 619827.

Submissions (2):

GeneDx
Classification: Uncertain significance. Last evaluated: 2024-03-09. Review status: criteria provided, single submitter. Criteria: GeneDx Variant Classification Process June 2021. Collection method: clinical testing. Allele origin: germline. Affected: yes.
Comment: Frameshift variant predicted to result in protein truncation or nonsense mediated decay in a gene for which loss of function is a known mechanism of disease; Has not been previously published as pathogenic or benign to our knowledge

Women's Health and Genetics/Laboratory Corporation of America, LabCorp
Classification: Pathogenic for Intellectual developmental disorder, autosomal recessive 75, with neuropsychiatric features and variant lissencephaly. Last evaluated: 2023-08-31. Review status: criteria provided, single submitter. Criteria: LabCorp Variant Classification Summary - May 2015. Collection method: clinical testing. Allele origin: germline.
Comment: Variant summary: LRDD (also known as PIDD1) c.202_203delCG (p.Arg68SerfsX94) results in a premature termination codon, predicted to cause a truncation of the encoded protein or absence of the protein due to nonsense mediated decay, which are commonly known mechanisms for disease. The variant allele was found at a frequency of 2e-05 in 249608 control chromosomes (gnomAD). To our knowledge, no occurrence of c.202_203delCG in individuals affected with Intellectual Developmental Disorder, Autosomal Recessive 75, With Neuropsychiatric Features And Variant Lissencephaly and no experimental evidence demonstrating its impact on protein function have been reported. No submitters have cited clinical-significance assessments for this variant to ClinVar after 2014. Based on the evidence outlined above, the variant was classified as pathogenic.

NM_145886.4(PIDD1):c.202_203del (p.Arg68fs)

Gene: PIDD1 (p53-induced death domain protein 1; minus strand). Cytogenetic location: 11p15.5.
Variant type: Deletion.
Coding change: c.202_203del on transcript NM_145886.4 (MANE Select); coding-DNA positions 202 to 203, 2 bases deleted (CG; older notation c.202_203delCG).
Protein change: p.Arg68fs; shifts the reading frame from arginine 68.
Molecular consequence: frameshift variant.
Genome position (GRCh38, 1-based): chr11:804,186-804,187, CG deleted on the plus strand (CG on the coding strand, the reverse complement: PIDD1 is on the minus strand); deleting any 2 consecutive bases within chr11:804,186-804,188 gives the same sequence; the c. name uses the placement nearest the transcript's 3' end. VCF-style (leftmost placement, unchanged base first): chr11-804185-ACG-A. GRCh37 (hg19) VCF-style: chr11-804185-ACG-A.
Other names: c.202_203del, p.Arg68fs (NM_145887.4); c.202_203delCG (NM_145886.4); c.202_203del (NM_145886.3); short protein forms R68fs.
Identifiers: ClinVar variation 2581475 (VCV002581475.2), dbSNP rs1157844813, ClinGen allele CA597022382.
Genomic context (GRCh38, chr11:804,185, plus strand): 5'-GCTCTGAGGCAGCTGGGCCAGGGTGGCCTCCAGCAGCTGAGGGTCCTCGTGAGTGCTCAG[ACG>A]CAAGAATTCCACCTGCAGCAGCTGCAGAGGCTGCTGGACACACAGGTGCAGCAGCTGCTG-3'